The following is an entry in ClinVar:

ClinVar aggregate classification (germline): not provided. Review status: no classification provided (0 of 4 stars). 3 submissions from 1 submitter: not provided (3).

Conditions:
Small for gestational age. Also called: Low birth weight. Identifiers: MedGen C0235991, HP:0001518.
Gestational diabetes mellitus uncontrolled. Identifiers: MedGen C3532257.
Normal pregnancy. Identifiers: MedGen C0232989.

Submissions (3):

Institute of Molecular and Cell Biology, University of Tartu
No classification provided. Condition: Small for gestational age. Review status: no classification provided. Collection method: case-control. Allele origin: unknown. Affected: yes. Study: Kasak2014.
Comment: The study aimed to determine the contribution of copy number variants in the genetic etiology of normal and complicated pregnancies. The samples represented (i) maternal blood DNA drawn from healthy pregnant women during 1st or 2nd trimester and (ii) maternal and paternal blood DNA drawn at term pregnancy cases representing normal and complicated gestations (severe preeclampsia, PE; gestational diabetes, GD; small-for-gestational age newborn, SGA; large-for-gestational age newborn, LGA). We performed CNV calling based on genome-wide genotyping dataset (Illumina HumanOmniExpress-24-v1 BeadChip) by applying three algorithms, QuantiSNP, GADA (Genome Alteration Detection Algorithm) and CNstream in parallel. The acquired CNV calls were merged with HD-CNV (Hotspot Detector for Copy Number Variants) program and only the CNVs predicted by at least two programs, were considered in subsequent analysis.

Institute of Molecular and Cell Biology, University of Tartu
No classification provided. Condition: Gestational diabetes mellitus uncontrolled. Review status: no classification provided. Collection method: case-control. Allele origin: unknown. Affected: yes. Study: Kasak2014.
Comment: the same text as in the submission from Institute of Molecular and Cell Biology, University of Tartu above.

Institute of Molecular and Cell Biology, University of Tartu
No classification provided. Condition: Normal pregnancy. Review status: no classification provided. Collection method: case-control. Allele origin: unknown. Affected: yes. Study: Kasak2014.
Comment: the same text as in the submission from Institute of Molecular and Cell Biology, University of Tartu above.

Literature cited by the submitters: PubMed 25666259.

Single allele

Variant type: Deletion.
Identifiers: ClinVar variation 156918 (VCV000156918.2).